The following is an entry in ClinVar:

NM_022124.6(CDH23):c.5971G>C (p.Asp1991His)

Gene: CDH23 (cadherin related 23; plus strand). Cytogenetic location: 10q22.1.
Variant type: single nucleotide variant.
Coding change: c.5971G>C on transcript NM_022124.6 (MANE Select); coding-DNA position 5971, G replaced by C.
Protein change: p.Asp1991His; replaces aspartic acid 1991 with histidine.
Molecular consequence: missense variant.
Genome position (GRCh38, 1-based): chr10:71,790,335, G>C. VCF-style: chr10-71790335-G-C. GRCh37 (hg19) VCF-style: chr10-73550092-G-C.
Other names: c.5971G>C (NM_022124.5); short protein forms D1991H.
Identifiers: ClinVar variation 281802 (VCV000281802.6), dbSNP rs763911648, ClinGen allele CA5545952.

ClinVar aggregate classification (germline): Conflicting classifications of pathogenicity. Review status: criteria provided, conflicting classifications (1 of 4 stars). 2 submissions from 2 submitters: Likely pathogenic (1); Uncertain significance (1). Last evaluated 2026-04-21.

Allele frequency attached by ClinVar (database versions not stated): ExAC 0.00001; gnomAD 0.00001; TOPMed 0.00001.
gnomAD v4.1: 3 of 1,613,768 alleles (0.00019%); highest among the groups gnomAD compares: African/African-American, 0.004%; no homozygotes.

Submissions (2):

GeneDx
Classification: Likely pathogenic. Last evaluated: 2026-04-21. Review status: criteria provided, single submitter. Criteria: GeneDx Variant Classification Process June 2021. Collection method: clinical testing. Allele origin: germline.
Comment: In silico analysis supports that this missense variant has a deleterious effect on protein structure/function; In silico analysis is inconclusive as to whether the variant alters gene splicing. In the absence of RNA/functional studies, the actual effect of this sequence change is unknown.; Has not been previously published as pathogenic or benign to our knowledge

Eurofins Ntd Llc (ga)
Classification: Uncertain significance. Last evaluated: 2015-07-10. Review status: criteria provided, single submitter. Criteria: EGL Classification Definitions 2015. Collection method: clinical testing. Allele origin: germline. Observed: 1 variant allele, 1 heterozygote.